The following is an entry in ClinVar:

NM_001854.4(COL11A1):c.215C>T (p.Thr72Ile)

Gene: COL11A1 (collagen type XI alpha 1 chain; minus strand). Cytogenetic location: 1p21.1.
Variant type: single nucleotide variant.
Coding change: c.215C>T on transcript NM_001854.4 (MANE Select); coding-DNA position 215, C replaced by T.
Protein change: p.Thr72Ile; replaces threonine 72 with isoleucine.
Molecular consequence: missense variant. On other transcripts: non-coding transcript variant (1).
Genome position (GRCh38, 1-based): chr1:103,082,864, G>A on the plus strand (C>T on the coding strand, the complement: COL11A1 is on the minus strand). VCF-style: chr1-103082864-G-A. GRCh37 (hg19) VCF-style: chr1-103548420-G-A.
Other names: c.215C>T, p.Thr72Ile (NM_001168249.1, NM_001190709.2, NM_080629.3 and 1 more transcripts); short protein forms T72I.
Identifiers: ClinVar variation 2871356 (VCV002871356.3), dbSNP rs56230601, ClinGen allele CA341168597.
Genomic context (GRCh38, chr1:103,082,864, plus strand): 5'-CCTGGAAATAACTGTTTTGTTGGGGCACTGAGTTGTGCTTGCTTTGAAACTCTGTAAGCA[G>A]TATCTGAGCCTTTAGAATTCTTTCTGTTTGTGCAAAATCCCGTTGTTTTTGATATTCCCT-3'
Protein context (NP_001845.3, residues 62-82): TNRKNSKGSD[Thr72Ile]AYRVSKQAQL

ClinVar aggregate classification (germline): Uncertain significance (1 of 4 stars; one submission).

gnomAD v4.1: 4 of 1,613,692 alleles (0.00025%); highest among the groups gnomAD compares: Non-Finnish European, 0.00034%; no homozygotes.

Submission:

Labcorp Genetics (formerly Invitae), Labcorp
Classification: Uncertain significance. Last evaluated: 2023-10-05. Review status: criteria provided, single submitter. Criteria: Invitae Variant Classification Sherloc (09022015). Collection method: clinical testing. Allele origin: germline.
Comment: This sequence change replaces threonine, which is neutral and polar, with isoleucine, which is neutral and non-polar, at codon 72 of the COL11A1 protein (p.Thr72Ile). This variant is not present in population databases (gnomAD no frequency). This variant has not been reported in the literature in individuals affected with COL11A1-related conditions. Advanced modeling of protein sequence and biophysical properties (such as structural, functional, and spatial information, amino acid conservation, physicochemical variation, residue mobility, and thermodynamic stability) performed at Invitae indicates that this missense variant is not expected to disrupt COL11A1 protein function. In summary, the available evidence is currently insufficient to determine the role of this variant in disease. Therefore, it has been classified as a Variant of Uncertain Significance.